The following is an entry in ClinVar:

NM_000918.4(P4HB):c.196G>A (p.Ala66Thr)

Gene: P4HB (prolyl 4-hydroxylase subunit beta; minus strand). Cytogenetic location: 17q25.3.
Variant type: single nucleotide variant.
Coding change: c.196G>A on transcript NM_000918.4 (MANE Select); coding-DNA position 196, G replaced by A.
Protein change: p.Ala66Thr; replaces alanine 66 with threonine.
Molecular consequence: missense variant.
Genome position (GRCh38, 1-based): chr17:81,859,337, C>T on the plus strand (G>A on the coding strand, the complement: P4HB is on the minus strand). VCF-style: chr17-81859337-C-T. GRCh37 (hg19) VCF-style: chr17-79817213-C-T.
Other names: short protein forms A66T.
Identifiers: ClinVar variation 3662933 (VCV003662933.2).

ClinVar aggregate classification (germline): Uncertain significance (1 of 4 stars; one submission).

Submission:

Labcorp Genetics (formerly Invitae), Labcorp
Classification: Uncertain significance. Last evaluated: 2024-08-20. Review status: criteria provided, single submitter. Criteria: Invitae Variant Classification Sherloc (09022015). Collection method: clinical testing. Allele origin: germline.
Comment: This sequence change replaces alanine, which is neutral and non-polar, with threonine, which is neutral and polar, at codon 66 of the P4HB protein (p.Ala66Thr). This variant is not present in population databases (gnomAD no frequency). This variant has not been reported in the literature in individuals affected with P4HB-related conditions. Invitae Evidence Modeling of protein sequence and biophysical properties (such as structural, functional, and spatial information, amino acid conservation, physicochemical variation, residue mobility, and thermodynamic stability) has been performed for this missense variant. However, the output from this modeling did not meet the statistical confidence thresholds required to predict the impact of this variant on P4HB protein function. In summary, the available evidence is currently insufficient to determine the role of this variant in disease. Therefore, it has been classified as a Variant of Uncertain Significance.